The following is an entry in ClinVar:

ClinVar aggregate classification (germline): Benign/Likely benign. Review status: criteria provided, multiple submitters, no conflicts (2 of 4 stars). 3 submissions from 3 submitters: Benign (1); Likely benign (2). Last evaluated 2026-08-03.

Conditions:
Familial colorectal cancer type X. Identifiers: Orphanet 440437, MedGen C3896578, MONDO:0018604.

Allele frequency attached by ClinVar (database versions not stated): gnomAD exomes below 0.00001; TOPMed 0.00001; ESP Exome Variant Server 0.00008; ExAC 0.00001; gnomAD 0.00001.
gnomAD v4.1: 7 of 1,612,710 alleles (0.00043%); highest among the groups gnomAD compares: Non-Finnish European, 0.00059%; no homozygotes.

Submissions (3):

Myriad Genetics, Inc.
Classification: Benign for Familial colorectal cancer type X. Last evaluated: 2026-08-03. Review status: criteria provided, single submitter. Criteria: Myriad Autosomal Dominant, Autosomal Recessive and X-Linked Classification Criteria (2023). Collection method: clinical testing. Allele origin: unknown.
Comment: This variant is considered benign. This variant is a silent/synonymous amino acid change and it is not expected to impact splicing.

Labcorp Genetics (formerly Invitae), Labcorp
Classification: Likely benign. Last evaluated: 2025-02-12. Review status: criteria provided, single submitter. Criteria: Invitae Variant Classification Sherloc (09022015). Collection method: clinical testing. Allele origin: germline.

Ambry Genetics
Classification: Likely benign. Last evaluated: 2024-05-12. Review status: criteria provided, single submitter. Criteria: Ambry Variant Classification Scheme 2023. Collection method: clinical testing. Allele origin: germline.

NM_001023.4(RPS20):c.174C>T (p.Thr58=)

Gene: RPS20 (ribosomal protein S20; minus strand). Cytogenetic location: 8q12.1.
Variant type: single nucleotide variant.
Coding change: c.174C>T on transcript NM_001023.4 (MANE Select); coding-DNA position 174, C replaced by T.
Protein change: p.Thr58=; no amino-acid change (threonine 58 retained).
Molecular consequence: synonymous variant.
Genome position (GRCh38, 1-based): chr8:56,073,698, G>A on the plus strand (C>T on the coding strand, the complement: RPS20 is on the minus strand). VCF-style: chr8-56073698-G-A. GRCh37 (hg19) VCF-style: chr8-56986257-G-A.
Other names: c.174C>T, p.Thr58= (NM_001146227.3).
Identifiers: ClinVar variation 753858 (VCV000753858.10), dbSNP rs376014536, ClinGen allele CA4754363.